The following is an entry in ClinVar:

ClinVar aggregate classification (germline): Likely benign (1 of 4 stars; one submission).

Conditions:
Leukocyte adhesion deficiency type II. Also called: CONGENITAL DISORDER OF GLYCOSYLATION, TYPE IIc; CDG IIc; Congenital disorder of glycosylation type 2C; CDG 2C; Leukocyte adhesion deficiency type 2; Rambam Hasharon syndrome. Identifiers: Orphanet 2968, Orphanet 99843, MedGen C0398739, MONDO:0009953, OMIM 266265.

Allele frequency attached by ClinVar (database versions not stated): gnomAD 0.00108; TOPMed 0.00121; 1000 Genomes Project 0.00499; 1000 Genomes Project 30x 0.00531.
gnomAD v4.1: 287 of 307,476 alleles (0.093%); highest among the groups gnomAD compares: East Asian, 2%; 5 homozygotes.

Submission:

Illumina Laboratory Services, Illumina
Classification: Likely benign for Leukocyte adhesion deficiency type II. Last evaluated: 2018-01-12. Review status: criteria provided, single submitter. Criteria: ICSL Variant Classification Criteria 13 December 2019. Collection method: clinical testing. Allele origin: germline.
Comment: This variant was observed in the ICSL laboratory as part of a predisposition screen in an ostensibly healthy population. It had not been previously curated by ICSL or reported in the Human Gene Mutation Database (HGMD: prior to June 1st, 2018), and was therefore a candidate for classification through an automated scoring system. Utilizing variant allele frequency, disease prevalence and penetrance estimates, and inheritance mode, an automated score was calculated to assess if this variant is too frequent to cause the disease. Based on the score and internal cut-off values, a variant classified as likely benign is not then subjected to further curation. The score for this variant resulted in a classification of likely benign for this disease.

NM_018389.5(SLC35C1):c.*1569G>C

Gene: SLC35C1 (solute carrier family 35 member C1; plus strand). Cytogenetic location: 11p11.2.
Variant type: single nucleotide variant.
Coding change: c.*1569G>C on transcript NM_018389.5 (MANE Select); 1569 bases downstream of the stop codon, G replaced by C.
Molecular consequence: 3 prime UTR variant.
Genome position (GRCh38, 1-based): chr11:45,812,904, G>C. VCF-style: chr11-45812904-G-C. GRCh37 (hg19) VCF-style: chr11-45834455-G-C.
Other names: c.*1569G>C (NM_001145265.2, NM_001145266.2).
Identifiers: ClinVar variation 304766 (VCV000304766.5), dbSNP rs139986610, ClinGen allele CA10630928.